The following is an entry in ClinVar:

ClinVar aggregate classification (germline): Benign. Review status: criteria provided, multiple submitters, no conflicts (2 of 4 stars). 4 submissions from 4 submitters: Benign (4). Last evaluated 2026-02-01.

Conditions:
Smith-McCort dysplasia 2 (SMC2). Identifiers: MedGen C3714896, MONDO:0014087, OMIM 615222.

Allele frequency attached by ClinVar (database versions not stated): gnomAD 0.00016 and 0.00043; TOPMed 0.00021; ESP Exome Variant Server 0.00023; gnomAD exomes 0.00077 and 0.00154; ExAC 0.00195; 1000 Genomes Project 0.00260; 1000 Genomes Project 30x 0.00265.
gnomAD v4.1: 1,181 of 1,594,336 alleles (0.074%); highest among the groups gnomAD compares: South Asian, 0.96%; 13 homozygotes.

Submissions (4):

Labcorp Genetics (formerly Invitae), Labcorp
Classification: Benign. Last evaluated: 2026-02-01. Review status: criteria provided, single submitter. Criteria: Invitae Variant Classification Sherloc (09022015). Collection method: clinical testing. Allele origin: germline.

CeGaT Center for Human Genetics Tuebingen
Classification: Benign. Last evaluated: 2023-06-01. Review status: criteria provided, single submitter. Criteria: CeGaT Center For Human Genetics Tuebingen Variant Classification Criteria Version 2. Collection method: clinical testing. Allele origin: germline. Affected: yes. Observed: 1 variant allele.
Comment: RAB33B: BP4, BP7, BS1, BS2

Illumina Laboratory Services, Illumina
Classification: Benign for Smith-McCort dysplasia 2. Last evaluated: 2018-01-12. Review status: criteria provided, single submitter. Criteria: ICSL Variant Classification Criteria 13 December 2019. Collection method: clinical testing. Allele origin: germline.
Comment: This variant was observed in the ICSL laboratory as part of a predisposition screen in an ostensibly healthy population. It had not been previously curated by ICSL or reported in the Human Gene Mutation Database (HGMD: prior to June 1st, 2018), and was therefore a candidate for classification through an automated scoring system. Utilizing variant allele frequency, disease prevalence and penetrance estimates, and inheritance mode, an automated score was calculated to assess if this variant is too frequent to cause the disease. Based on the score and internal cut-off values, a variant classified as benign is not then subjected to further curation. The score for this variant resulted in a classification of benign for this disease.

Breakthrough Genomics
Classification: Benign. Review status: criteria provided, single submitter. Criteria: ACMG Guidelines, 2015. Collection method: not provided. Allele origin: germline. Inheritance: Autosomal recessive inheritance. Affected: yes.

NM_031296.3(RAB33B):c.258A>G (p.Leu86=)

Gene: RAB33B (RAB33B, member RAS oncogene family; plus strand). Cytogenetic location: 4q31.1.
Variant type: single nucleotide variant.
Coding change: c.258A>G on transcript NM_031296.3 (MANE Select); coding-DNA position 258, A replaced by G.
Protein change: p.Leu86=; no amino-acid change (leucine 86 retained).
Molecular consequence: synonymous variant.
Genome position (GRCh38, 1-based): chr4:139,472,694, A>G. VCF-style: chr4-139472694-A-G. GRCh37 (hg19) VCF-style: chr4-140393848-A-G.
Identifiers: ClinVar variation 747193 (VCV000747193.37), dbSNP rs189262252, ClinGen allele CA3083992.